The following is an entry in ClinVar:

NM_033026.6(PCLO):c.10347C>T (p.Asp3449=)

Gene: PCLO (piccolo presynaptic cytomatrix protein; minus strand). Cytogenetic location: 7q21.11.
Variant type: single nucleotide variant.
Coding change: c.10347C>T on transcript NM_033026.6 (MANE Select); coding-DNA position 10347, C replaced by T.
Protein change: p.Asp3449=; no amino-acid change (aspartic acid 3449 retained).
Molecular consequence: synonymous variant.
Genome position (GRCh38, 1-based): chr7:82,950,241, G>A on the plus strand (C>T on the coding strand, the complement: PCLO is on the minus strand). VCF-style: chr7-82950241-G-A. GRCh37 (hg19) VCF-style: chr7-82579557-G-A.
Other names: c.10347C>T, p.Asp3449= (NM_014510.3); c.10347C>T (NM_033026.5).
Identifiers: ClinVar variation 1168040 (VCV001168040.13), dbSNP rs116200915, ClinGen allele CA4319750.
Genomic context (GRCh38, chr7:82,950,241, plus strand): 5'-ATCCACACTCTTTTTAGTTCTCCTTCTCCTACTCACATAGCTCCGATCTGTGGCATCTTC[G>A]TCATCCGTTTGTACACCACTGTCCACTATCTTTTTAAAACTTCGGGGATCATCTGTCATA-3'
Protein context (NP_149015.2, residues 3439-3459): KIVDSGVQTD[Asp3449=]EDATDRSYVS

ClinVar aggregate classification (germline): Benign/Likely benign. Review status: criteria provided, multiple submitters, no conflicts (2 of 4 stars). 4 submissions from 4 submitters: Benign (2); Likely benign (1). 1 of the submissions does not count toward it. Last evaluated 2026-01-31.

Conditions:
PCLO-related disorder. Also called: PCLO-related condition.

Allele frequency attached by ClinVar (database versions not stated): gnomAD exomes 0.00032 and 0.00073; ExAC 0.00086; 1000 Genomes Project 30x 0.00187; ESP Exome Variant Server 0.00213; 1000 Genomes Project 0.00220; gnomAD 0.00306 and 0.00332; TOPMed 0.00344.
gnomAD v4.1: 937 of 1,612,516 alleles (0.058%); highest among the groups gnomAD compares: African/African-American, 1.1%; 3 homozygotes.

Submissions (4):

Labcorp Genetics (formerly Invitae), Labcorp
Classification: Benign. Last evaluated: 2026-01-31. Review status: criteria provided, single submitter. Criteria: Invitae Variant Classification Sherloc (09022015). Collection method: clinical testing. Allele origin: germline.

Blueprint Genetics
Classification: Likely benign. Last evaluated: 2024-11-27. Review status: criteria provided, single submitter. Criteria: ACMG Guidelines, 2015. Collection method: clinical testing. Allele origin: germline.

Breakthrough Genomics
Classification: Benign. Review status: criteria provided, single submitter. Criteria: ACMG Guidelines, 2015. Collection method: not provided. Allele origin: germline. Inheritance: Autosomal recessive inheritance. Affected: yes.

PreventionGenetics, part of Exact Sciences
Classification: Benign for PCLO-related condition. Last evaluated: 2019-05-09. Review status: no assertion criteria provided. Collection method: clinical testing. Allele origin: germline. Not counted in ClinVar's aggregate classification.
Comment: This variant is classified as benign based on ACMG/AMP sequence variant interpretation guidelines (Richards et al. 2015 PMID: 25741868, with internal and published modifications).